The following is an entry in ClinVar:

ClinVar aggregate classification (germline): Uncertain significance (1 of 4 stars; one submission).

Submission:

Labcorp Genetics (formerly Invitae), Labcorp
Classification: Uncertain significance. Last evaluated: 2023-10-17. Review status: criteria provided, single submitter. Criteria: Invitae Variant Classification Sherloc (09022015). Collection method: clinical testing. Allele origin: germline.
Comment: This sequence change replaces leucine, which is neutral and non-polar, with arginine, which is basic and polar, at codon 319 of the RORB protein (p.Leu319Arg). This variant is not present in population databases (gnomAD no frequency). This variant has not been reported in the literature in individuals affected with RORB-related conditions. An algorithm developed to predict the effect of missense changes on protein structure and function (PolyPhen-2) suggests that this variant is likely to be disruptive. In summary, the available evidence is currently insufficient to determine the role of this variant in disease. Therefore, it has been classified as a Variant of Uncertain Significance.

NM_006914.4(RORB):c.956T>G (p.Leu319Arg)

Gene: RORB (RAR related orphan receptor B; plus strand). Cytogenetic location: 9q21.13.
Variant type: single nucleotide variant.
Coding change: c.956T>G on transcript NM_006914.4 (MANE Select); coding-DNA position 956, T replaced by G.
Protein change: p.Leu319Arg; replaces leucine 319 with arginine.
Molecular consequence: missense variant.
Genome position (GRCh38, 1-based): chr9:74,665,551, T>G. VCF-style: chr9-74665551-T-G. GRCh37 (hg19) VCF-style: chr9-77280467-T-G.
Other names: c.989T>G, p.Leu330Arg (NM_001365023.1); short protein forms L319R, L330R.
Identifiers: ClinVar variation 2759557 (VCV002759557.3), dbSNP rs2489633800, ClinGen allele CA373771108.